The following is an entry in ClinVar:

ClinVar aggregate classification (germline): Uncertain significance (1 of 4 stars; one submission).

Submission:

GeneDx
Classification: Uncertain significance. Last evaluated: 2024-10-15. Review status: criteria provided, single submitter. Criteria: GeneDx Variant Classification Process June 2021. Collection method: clinical testing. Allele origin: germline. Affected: yes.
Comment: Not observed at significant frequency in large population cohorts (gnomAD); In silico analysis supports that this missense variant has a deleterious effect on protein structure/function; Has not been previously published as pathogenic or benign to our knowledge

NM_005068.3(SIM1):c.494A>T (p.Lys165Met)

Gene: SIM1 (SIM bHLH transcription factor 1; minus strand). Cytogenetic location: 6q16.3.
Variant type: single nucleotide variant.
Coding change: c.494A>T on transcript NM_005068.3 (MANE Select); coding-DNA position 494, A replaced by T.
Protein change: p.Lys165Met; replaces lysine 165 with methionine.
Molecular consequence: missense variant.
Genome position (GRCh38, 1-based): chr6:100,449,412, T>A on the plus strand (A>T on the coding strand, the complement: SIM1 is on the minus strand). VCF-style: chr6-100449412-T-A. GRCh37 (hg19) VCF-style: chr6-100897288-T-A.
Other names: c.494A>T, p.Lys165Met (NM_001374769.1); short protein forms K165M.
Identifiers: ClinVar variation 3781227 (VCV003781227.1).